The following is an entry in ClinVar:

ClinVar aggregate classification (germline): Uncertain significance (1 of 4 stars; one submission).

Submission:

Labcorp Genetics (formerly Invitae), Labcorp
Classification: Uncertain significance. Last evaluated: 2024-12-18. Review status: criteria provided, single submitter. Criteria: Invitae Variant Classification Sherloc (09022015). Collection method: clinical testing. Allele origin: germline.
Comment: This sequence change replaces phenylalanine, which is neutral and non-polar, with valine, which is neutral and non-polar, at codon 1366 of the CACNA1F protein (p.Phe1366Val). This variant is not present in population databases (gnomAD no frequency). This variant has not been reported in the literature in individuals affected with CACNA1F-related conditions. Invitae Evidence Modeling of protein sequence and biophysical properties (such as structural, functional, and spatial information, amino acid conservation, physicochemical variation, residue mobility, and thermodynamic stability) indicates that this missense variant is expected to disrupt CACNA1F protein function with a positive predictive value of 80%. In summary, the available evidence is currently insufficient to determine the role of this variant in disease. Therefore, it has been classified as a Variant of Uncertain Significance.

NM_001256789.3(CACNA1F):c.4063T>G (p.Phe1355Val)

Gene: CACNA1F (calcium voltage-gated channel subunit alpha1 F; minus strand). Cytogenetic location: Xp11.23.
Variant type: single nucleotide variant.
Coding change: c.4063T>G on transcript NM_001256789.3 (MANE Select); coding-DNA position 4063, T replaced by G.
Protein change: p.Phe1355Val; replaces phenylalanine 1355 with valine.
Molecular consequence: missense variant.
Genome position (GRCh38, 1-based): chrX:49,211,935, A>C on the plus strand (T>G on the coding strand, the complement: CACNA1F is on the minus strand). VCF-style: chrX-49211935-A-C. GRCh37 (hg19) VCF-style: chrX-49068395-A-C.
Other names: c.3901T>G, p.Phe1301Val (NM_001256790.3); c.4096T>G, p.Phe1366Val (NM_005183.4); short protein forms F1366V, F1301V, F1355V.
Identifiers: ClinVar variation 3646814 (VCV003646814.2).